The following is an entry in ClinVar:

ClinVar aggregate classification (germline): Likely benign (0 of 4 stars; one submission).

Conditions:
EP300-related disorder. Also called: EP300-related disorders; EP300-related condition.

gnomAD v4.1: 14 of 1,614,090 alleles (0.00087%); highest among the groups gnomAD compares: Non-Finnish European, 0.001%; no homozygotes.

Submission:

PreventionGenetics, part of Exact Sciences
Classification: Likely benign for EP300-related condition. Last evaluated: 2022-09-16. Review status: no assertion criteria provided. Collection method: clinical testing. Allele origin: germline.
Comment: This variant is classified as likely benign based on ACMG/AMP sequence variant interpretation guidelines (Richards et al. 2015 PMID: 25741868, with internal and published modifications).

NM_001429.4(EP300):c.957T>A (p.Val319=)

Gene: EP300 (E1A binding protein p300; plus strand). Cytogenetic location: 22q13.2.
Variant type: single nucleotide variant.
Coding change: c.957T>A on transcript NM_001429.4 (MANE Select); coding-DNA position 957, T replaced by A.
Protein change: p.Val319=; no amino-acid change (valine 319 retained).
Molecular consequence: synonymous variant.
Genome position (GRCh38, 1-based): chr22:41,127,537, T>A. VCF-style: chr22-41127537-T-A. GRCh37 (hg19) VCF-style: chr22-41523541-T-A.
Other names: c.957T>A, p.Val319= (NM_001362843.2).
Identifiers: ClinVar variation 3357475 (VCV003357475.1).
Genomic context (GRCh38, chr22:41,127,537, plus strand): 5'-TATCTCTCAGGGTCAACAGCCAGCCCCGCAGGTCCAGCAGCCAGGCCTGGTGACTCCAGT[T>A]GCCCAAGGGATGGGTTCTGGAGCACATACAGCTGATCCAGAGAAGCGCAAGCTCATCCAG-3'
Protein context (NP_001420.2, residues 309-329): QVQQPGLVTP[Val319=]AQGMGSGAHT